The following is an entry in ClinVar:

NM_006892.4(DNMT3B):c.66C>T (p.Leu22=)

Gene: DNMT3B (DNA methyltransferase 3 beta; plus strand). Cytogenetic location: 20q11.21.
Variant type: single nucleotide variant.
Coding change: c.66C>T on transcript NM_006892.4 (MANE Select); coding-DNA position 66, C replaced by T.
Protein change: p.Leu22=; no amino-acid change (leucine 22 retained).
Molecular consequence: synonymous variant.
Genome position (GRCh38, 1-based): chr20:32,780,389, C>T. VCF-style: chr20-32780389-C-T. GRCh37 (hg19) VCF-style: chr20-31368195-C-T.
Other names: c.66C>T, p.Leu22= (NM_001207055.2, NM_001207056.2, NM_175848.2 and 1 more transcripts); c.102C>T, p.Leu34= (NM_175850.3).
Identifiers: ClinVar variation 731286 (VCV000731286.32), dbSNP rs143743194, ClinGen allele CA9810015.
Genomic context (GRCh38, chr20:32,780,389, plus strand): 5'-GGGAGACACCAGGCATCTCAATGGAGAGGAGGACGCCGGCGGGAGGGAAGACTCGATCCT[C>T]GTCAACGGGGCCTGCAGCGACCAGTCCTCCGACTCGCCCCCAATCCTGGAGGCTATCCGC-3'
Protein context (NP_008823.1, residues 12-32): EDAGGREDSI[Leu22=]VNGACSDQSS

ClinVar aggregate classification (germline): Likely benign. Review status: criteria provided, multiple submitters, no conflicts (2 of 4 stars). 2 submissions from 2 submitters: Likely benign (2). Last evaluated 2025-01-26.

Conditions:
Centromeric instability of chromosomes 1,9 and 16 and immunodeficiency (ICF1). Also called: IMMUNE DEFICIENCY, VARIABLE, WITH CENTROMERIC INSTABILITY OF CHROMOSOMES 1, 9, AND 16; IMMUNODEFICIENCY SYNDROME, VARIABLE; Immunodeficiency-centromeric instability-facial anomalies; CENTROMERIC INSTABILITY, IMMUNODEFICIENCY SYNDROME. Identifiers: Orphanet 2268, MedGen C0398788, MONDO:0000133.

Allele frequency attached by ClinVar (database versions not stated): gnomAD exomes 0.00005 and 0.00007; TOPMed 0.00005; gnomAD 0.00006 and 0.00007; ExAC 0.00007; ESP Exome Variant Server 0.00008.
gnomAD v4.1: 82 of 1,613,846 alleles (0.0051%); highest among the groups gnomAD compares: Admixed American, 0.012%; no homozygotes.

Submissions (2):

Labcorp Genetics (formerly Invitae), Labcorp
Classification: Likely benign for Centromeric instability of chromosomes 1,9 and 16 and immunodeficiency. Last evaluated: 2025-01-26. Review status: criteria provided, single submitter. Criteria: Invitae Variant Classification Sherloc (09022015). Collection method: clinical testing. Allele origin: germline.

CeGaT Center for Human Genetics Tuebingen
Classification: Likely benign. Last evaluated: 2023-11-01. Review status: criteria provided, single submitter. Criteria: CeGaT Center For Human Genetics Tuebingen Variant Classification Criteria Version 2. Collection method: clinical testing. Allele origin: germline. Affected: yes. Observed: 1 variant allele.
Comment: DNMT3B: BP4, BP7